The following is an entry in ClinVar:

ClinVar aggregate classification (germline): Uncertain significance (1 of 4 stars; one submission).

Submission:

GeneDx
Classification: Uncertain significance. Last evaluated: 2025-03-14. Review status: criteria provided, single submitter. Criteria: GeneDx Variant Classification Process June 2021. Collection method: clinical testing. Allele origin: germline. Affected: yes.
Comment: Not observed at significant frequency in large population cohorts (gnomAD); In silico analysis indicates that this missense variant does not alter protein structure/function; Has not been previously published as pathogenic or benign to our knowledge.

NM_001367871.1(FBRSL1):c.614C>T (p.Ser205Phe)

Gene: FBRSL1 (fibrosin like 1; plus strand). Cytogenetic location: 12q24.33.
Variant type: single nucleotide variant.
Coding change: c.614C>T on transcript NM_001367871.1 (MANE Select); coding-DNA position 614, C replaced by T.
Protein change: p.Ser205Phe; replaces serine 205 with phenylalanine.
Molecular consequence: missense variant.
Genome position (GRCh38, 1-based): chr12:132,527,987, C>T. VCF-style: chr12-132527987-C-T. GRCh37 (hg19) VCF-style: chr12-133104573-C-T.
Other names: c.614C>T, p.Ser205Phe (NM_001142641.2, NM_001382739.1, NM_001382740.1 and 1 more transcripts); short protein forms S205F.
Identifiers: ClinVar variation 4083296 (VCV004083296.1).